The following is an entry in ClinVar:

ClinVar aggregate classification (germline): Pathogenic (1 of 4 stars; one submission).

Conditions:
Hereditary cancer-predisposing syndrome. Also called: Hereditary Cancer Syndrome; Neoplastic Syndromes, Hereditary; Tumor predisposition; Hereditary neoplastic syndrome. Identifiers: Orphanet 140162, MedGen C0027672, MeSH D009386, MONDO:0015356.

Submission:

Color Diagnostics, LLC DBA Color Health
Classification: Pathogenic for Hereditary cancer-predisposing syndrome. Last evaluated: 2020-04-21. Review status: criteria provided, single submitter. Criteria: ACMG Guidelines, 2015. Collection method: clinical testing. Allele origin: germline.
Comment: This variant inserts 1 nucleotide in exon 4 of the BAP1 gene, creating a frameshift and premature translation stop signal. This variant is expected to result in an absent or non-functional protein product. To our knowledge, this variant has not been reported in individuals affected with hereditary cancer in the literature. This variant has not been identified in the general population by the Genome Aggregation Database (gnomAD). Loss of BAP1 function is a known mechanism of disease. Based on the available evidence, this variant is classified as Pathogenic.

NM_004656.4(BAP1):c.127dup (p.Val43fs)

Gene: BAP1 (BRCA1 associated deubiquitinase 1; minus strand). Cytogenetic location: 3p21.1.
Variant type: Duplication.
Coding change: c.127dup on transcript NM_004656.4 (MANE Select); coding-DNA position 127, one base duplicated (G; older notation c.127dupG).
Protein change: p.Val43fs; shifts the reading frame from valine 43.
Molecular consequence: frameshift variant.
Genome position (GRCh38, 1-based): chr3:52,408,602, C duplicated on the plus strand (G on the coding strand, the reverse complement: BAP1 is on the minus strand). VCF-style (leftmost placement, unchanged base first): chr3-52408601-A-AC. GRCh37 (hg19) VCF-style: chr3-52442617-A-AC.
Other names: short protein forms V43fs.
Identifiers: ClinVar variation 490788 (VCV000490788.4), dbSNP rs1553646061, ClinGen allele CA658683360.
Genomic context (GRCh38, chr3:52,408,601, plus strand): 5'-GAGACCTTTCGCCGGGACCGGCGCTCTTCGATCCATTTGAACAGGAAGATAAATCCATAT[A>AC]CAGGGCTGGGGGAAGTAAGGGGCAGAGCCAGATCAGCCAAAGGGGAGAAGACAATCAGCA-3'